The following is an entry in ClinVar:

NM_000384.3(APOB):c.*229A>G

Genes: APOB (apolipoprotein B; minus strand), APOB3'MAR (APOB 3' scaffold/matrix attachment region; plus strand). Cytogenetic location: 2p24.1.
Variant type: single nucleotide variant.
Coding change: c.*229A>G on transcript NM_000384.3 (MANE Select); 229 bases downstream of the stop codon, A replaced by G.
Molecular consequence: 3 prime UTR variant.
Genome position (GRCh38, 1-based): chr2:21,001,501, T>C on the plus strand (A>G on the coding strand, the complement: APOB is on the minus strand). VCF-style: chr2-21001501-T-C. GRCh37 (hg19) VCF-style: chr2-21224373-T-C.
Identifiers: ClinVar variation 334057 (VCV000334057.15), dbSNP rs72654430, ClinGen allele CA10612276.

ClinVar aggregate classification (germline): Conflicting classifications of pathogenicity. Review status: criteria provided, conflicting classifications (1 of 4 stars). 4 submissions from 3 submitters: Uncertain significance (1); Benign (1); Likely benign (2). Last evaluated 2026-09-01.

Conditions:
Familial hypobetalipoproteinemia 1. Also called: APOB-Related Familial Hypobetalipoproteinemia; Hypobetalipoproteinemia, normotriglyceridemic; Acanthocytosis with hypobetalipoproteinemia. Identifiers: MedGen C4551990, MONDO:0014252, OMIM 615558.
Hypercholesterolemia, autosomal dominant, type B (FHCL2). Also called: Hyperlipoproteinemia Type IIb; Familial hypercholesterolemia 2; APOB-Related Familial Hypercholesterolemia, Autosomal Dominant; HYPERCHOLESTEROLEMIA, FAMILIAL, DUE TO LIGAND-DEFECTIVE APOLIPOPROTEIN B; Familial Hypercholesterolemia Type B; APOLIPOPROTEIN B-100, FAMILIAL DEFECTIVE. Identifiers: MedGen C1704417, MONDO:0007751, OMIM 144010.

Allele frequency attached by ClinVar (database versions not stated): gnomAD exomes 0.00097; gnomAD 0.00191 and 0.00198; TOPMed 0.00275; 1000 Genomes Project 0.00300; 1000 Genomes Project 30x 0.00359.

Submissions (4):

CeGaT Center for Human Genetics Tuebingen
Classification: Likely benign. Last evaluated: 2026-09-01. Review status: criteria provided, single submitter. Criteria: CeGaT Center For Human Genetics Tuebingen Variant Classification Criteria Version 2. Collection method: clinical testing. Allele origin: germline. Affected: yes. Observed: 9 variant alleles.
Comment: APOB: BS2

Labcorp Genetics (formerly Invitae), Labcorp
Classification: Benign for Familial hypobetalipoproteinemia 1; Hypercholesterolemia, autosomal dominant, type B. Last evaluated: 2023-07-17. Review status: criteria provided, single submitter. Criteria: Invitae Variant Classification Sherloc (09022015). Collection method: clinical testing. Allele origin: germline.

Illumina Laboratory Services, Illumina
Classification: Uncertain significance for Familial hypobetalipoproteinemia 1. Last evaluated: 2018-01-13. Review status: criteria provided, single submitter. Criteria: ICSL Variant Classification Criteria 13 December 2019. Collection method: clinical testing. Allele origin: germline.

Illumina Laboratory Services, Illumina
Classification: Likely benign for Hypercholesterolemia, autosomal dominant, type B. Last evaluated: 2018-01-13. Review status: criteria provided, single submitter. Criteria: ICSL Variant Classification Criteria 13 December 2019. Collection method: clinical testing. Allele origin: germline.
Comment: This variant was observed in the ICSL laboratory as part of a predisposition screen in an ostensibly healthy population. It had not been previously curated by ICSL or reported in the Human Gene Mutation Database (HGMD: prior to June 1st, 2018), and was therefore a candidate for classification through an automated scoring system. Utilizing variant allele frequency, disease prevalence and penetrance estimates, and inheritance mode, an automated score was calculated to assess if this variant is too frequent to cause the disease. Based on the score and internal cut-off values, a variant classified as likely benign is not then subjected to further curation. The score for this variant resulted in a classification of likely benign for this disease.